The following is an entry in ClinVar:

ClinVar aggregate classification (germline): Pathogenic (1 of 4 stars; one submission).

Conditions:
KBG syndrome (KBGS). Also called: ANKRD11-Related KBG Syndrome. Identifiers: Orphanet 2332, MedGen C0220687, MONDO:0007846, OMIM 148050.

Submission:

Labcorp Genetics (formerly Invitae), Labcorp
Classification: Pathogenic for KBG syndrome. Last evaluated: 2024-10-15. Review status: criteria provided, single submitter. Criteria: Invitae Variant Classification Sherloc (09022015). Collection method: clinical testing. Allele origin: germline.
Comment: This sequence change creates a premature translational stop signal (p.Ser729Alafs*20) in the ANKRD11 gene. It is expected to result in an absent or disrupted protein product. Loss-of-function variants in ANKRD11 are known to be pathogenic (PMID: 21782149, 25125236, 25413698, 25652421). This variant is not present in population databases (gnomAD no frequency). This variant has not been reported in the literature in individuals affected with ANKRD11-related conditions. For these reasons, this variant has been classified as Pathogenic.

Literature cited by the submitters: PubMed 21782149; PubMed 25125236; PubMed 25413698; PubMed 25652421.

NM_013275.6(ANKRD11):c.2184del (p.Ser729fs)

Gene: ANKRD11 (ankyrin repeat domain 11; minus strand). Cytogenetic location: 16q24.3.
Variant type: Deletion.
Coding change: c.2184del on transcript NM_013275.6 (MANE Select); coding-DNA position 2184, one base deleted (C; older notation c.2184delC).
Protein change: p.Ser729fs; shifts the reading frame from serine 729.
Molecular consequence: frameshift variant.
Genome position (GRCh38, 1-based): chr16:89,284,358, G deleted on the plus strand (C on the coding strand, the reverse complement: ANKRD11 is on the minus strand). VCF-style (leftmost placement, unchanged base first): chr16-89284357-TG-T. GRCh37 (hg19) VCF-style: chr16-89350765-TG-T.
Other names: c.2184del, p.Ser729fs (NM_001256182.2, NM_001256183.2); short protein forms S729fs.
Identifiers: ClinVar variation 2854802 (VCV002854802.3), dbSNP rs2544242234, ClinGen allele CA2739266983.